The following is an entry in ClinVar:

NM_182643.3(DLC1):c.3951C>A (p.Asp1317Glu)

Genes: DLC1 (DLC1 Rho GTPase activating protein; minus strand), LOC126860305 (MED14-independent group 3 enhancer GRCh37_chr8:12947375-12948574; plus strand). Cytogenetic location: 8p22.
Variant type: single nucleotide variant.
Coding change: c.3951C>A on transcript NM_182643.3 (MANE Select); coding-DNA position 3951, C replaced by A.
Protein change: p.Asp1317Glu; replaces aspartic acid 1317 with glutamic acid.
Molecular consequence: missense variant.
Genome position (GRCh38, 1-based): chr8:13,090,375, G>T on the plus strand (C>A on the coding strand, the complement: DLC1 is on the minus strand). VCF-style: chr8-13090375-G-T. GRCh37 (hg19) VCF-style: chr8-12947884-G-T.
Other names: c.2418C>A, p.Asp806Glu (NM_001164271.2, NM_001348082.2, NM_001348083.1 and 6 more transcripts); c.2742C>A, p.Asp914Glu (NM_001316668.2); c.3951C>A, p.Asp1317Glu (NM_001348081.2, NM_001413124.1); c.2733C>A, p.Asp911Glu (NM_001413130.1); c.2391C>A, p.Asp797Glu (NM_001413131.1, NM_001413137.1); c.2877C>A, p.Asp959Glu (NM_001413132.1); c.2640C>A, p.Asp880Glu (NM_001413135.1, NM_001413139.1, NM_006094.5); c.2775C>A, p.Asp925Glu (NM_001413140.1); short protein forms D797E, D806E, D911E, D914E, D925E, D1317E, D880E, D959E.
Identifiers: ClinVar variation 2123502 (VCV002123502.4), dbSNP rs1817948516, ClinGen allele CA370340947.
Genomic context (GRCh38, chr8:13,090,375, plus strand): 5'-TTTGACTTCTTTAAACAGGCCATCCACACAGTCCTGGAGGAAGTGTTGGTAGTCAGCTGA[G>T]TCATCATTACCCAGGTGCCCGAGTGCTTCCAGAGTGAGGGGCTTCAGCTCTTGTTCGGTA-3'
Protein context (NP_872584.2, residues 1307-1327): LEALGHLGND[Asp1317Glu]SADYQHFLQD

ClinVar aggregate classification (germline): Uncertain significance (1 of 4 stars; one submission).

Submission:

Labcorp Genetics (formerly Invitae), Labcorp
Classification: Uncertain significance. Last evaluated: 2022-04-11. Review status: criteria provided, single submitter. Criteria: Invitae Variant Classification Sherloc (09022015). Collection method: clinical testing. Allele origin: germline.
Comment: Algorithms developed to predict the effect of missense changes on protein structure and function output the following: SIFT: "Tolerated"; PolyPhen-2: "Benign"; Align-GVGD: "Class C0". The glutamic acid amino acid residue is found in multiple mammalian species, which suggests that this missense change does not adversely affect protein function. In summary, the available evidence is currently insufficient to determine the role of this variant in disease. Therefore, it has been classified as a Variant of Uncertain Significance. This variant has not been reported in the literature in individuals affected with DLC1-related conditions. This variant is not present in population databases (gnomAD no frequency). This sequence change replaces aspartic acid, which is acidic and polar, with glutamic acid, which is acidic and polar, at codon 1317 of the DLC1 protein (p.Asp1317Glu).